The following is an entry in ClinVar:

ClinVar aggregate classification (germline): Pathogenic/Likely pathogenic. Review status: criteria provided, multiple submitters, no conflicts (2 of 4 stars). 3 submissions from 3 submitters: Pathogenic (2); Likely pathogenic (1). Last evaluated 2025-05-04.

Conditions:
Fanconi anemia (FA). Also called: Fanconi's anemia. Identifiers: Orphanet 84, MedGen C0015625, MeSH D005199, MONDO:0019391.

Allele frequency attached by ClinVar (database versions not stated): gnomAD exomes below 0.00001 and 0.00001; ExAC 0.00001; gnomAD 0.00001; TOPMed 0.00001.

Submissions (3):

Labcorp Genetics (formerly Invitae), Labcorp
Classification: Pathogenic for Fanconi anemia. Last evaluated: 2025-05-04. Review status: criteria provided, single submitter. Criteria: Invitae Variant Classification Sherloc (09022015). Collection method: clinical testing. Allele origin: germline.
Comment: This sequence change creates a premature translational stop signal (p.Gln1327Valfs*16) in the FANCM gene. It is expected to result in an absent or disrupted protein product. Loss-of-function variants in FANCM are known to be pathogenic (PMID: 29895858, 30075111). This variant is present in population databases (rs757391108, gnomAD 0.008%). This premature translational stop signal has been observed in individual(s) with breast cancer (PMID: 26822949). ClinVar contains an entry for this variant (Variation ID: 842905). For these reasons, this variant has been classified as Pathogenic.

GeneDx
Classification: Likely pathogenic. Last evaluated: 2023-05-08. Review status: criteria provided, single submitter. Criteria: GeneDx Variant Classification Process June 2021. Collection method: clinical testing. Allele origin: germline. Affected: yes.
Comment: Frameshift variant predicted to result in protein truncation or nonsense mediated decay in a gene for which loss of function is a known mechanism of disease; Not observed at significant frequency in large population cohorts (gnomAD); Observed in individuals with a personal and/or family history of breast and ovarian cancer (Lhota et al., 2016; Figlioli et al., 2020); This variant is associated with the following publications: (PMID: 26822949, 29895858, 30075111, 31991861)

Institute for Clinical Genetics, University Hospital TU Dresden, University Hospital TU Dresden
Classification: Pathogenic. Last evaluated: 2021-11-03. Review status: criteria provided, single submitter. Criteria: ACMG Guidelines, 2015. Collection method: clinical testing. Allele origin: germline.

Literature cited by the submitters: PubMed 29895858 (cited by Labcorp Genetics (formerly Invitae), Labcorp); PubMed 30075111 (cited by Labcorp Genetics (formerly Invitae), Labcorp); PubMed 26822949 (cited by Labcorp Genetics (formerly Invitae), Labcorp).

NM_020937.4(FANCM):c.3979_3980del (p.Gln1327fs)

Gene: FANCM (FA complementation group M; plus strand). Cytogenetic location: 14q21.2.
Variant type: Deletion.
Coding change: c.3979_3980del on transcript NM_020937.4 (MANE Select); coding-DNA positions 3979 to 3980, 2 bases deleted (CA; older notation c.3979_3980delCA).
Protein change: p.Gln1327fs; shifts the reading frame from glutamine 1327.
Molecular consequence: frameshift variant.
Genome position (GRCh38, 1-based): chr14:45,176,733-45,176,734, CA deleted. VCF-style (leftmost placement, unchanged base first): chr14-45176732-TCA-T. GRCh37 (hg19) VCF-style: chr14-45645935-TCA-T.
Other names: c.3901_3902del, p.Gln1301fs (NM_001308133.2); short protein forms Q1327fs, Q1301fs.
Identifiers: ClinVar variation 842905 (VCV000842905.13), dbSNP rs757391108, ClinGen allele CA7169606.